The following is an entry in ClinVar:

ClinVar aggregate classification (germline): Benign. Review status: criteria provided, multiple submitters, no conflicts (2 of 4 stars). 8 submissions from 6 submitters: Benign (8). Last evaluated 2026-02-04.

Conditions:
Cockayne syndrome type 2 (CSB). Also called: COCKAYNE SYNDROME B; Cockayne Syndrome, Type II. Identifiers: Orphanet 191, Orphanet 90322, MedGen C0751038, MONDO:0019570, OMIM 133540.
Cerebrooculofacioskeletal syndrome 1 (COFS1). Also called: Cerebro-oculo-facio-skeletal syndrome 1. Identifiers: MedGen C0220722, MONDO:0008955, OMIM 214150.
Age related macular degeneration 5. Identifiers: MedGen C3151063, MONDO:0013409, OMIM 613761.

Allele frequency attached by ClinVar (database versions not stated): ESP Exome Variant Server 0.00054; gnomAD 0.00466 and 0.00540; TOPMed 0.00641; ExAC 0.01097; gnomAD exomes 0.01233; 1000 Genomes Project 30x 0.01843; 1000 Genomes Project 0.01977.
gnomAD v4.1: 6,177 of 1,614,068 alleles (0.38%); highest among the groups gnomAD compares: East Asian, 6.8%; 162 homozygotes.

Submissions (8):

Labcorp Genetics (formerly Invitae), Labcorp
Classification: Benign. Last evaluated: 2026-02-04. Review status: criteria provided, single submitter. Criteria: Invitae Variant Classification Sherloc (09022015). Collection method: clinical testing. Allele origin: germline.

GeneDx
Classification: Benign. Last evaluated: 2019-10-02. Review status: criteria provided, single submitter. Criteria: GeneDx Variant Classification Process June 2021. Collection method: clinical testing. Allele origin: germline. Affected: yes.

Illumina Laboratory Services, Illumina
Classification: Benign for Cockayne syndrome type 2. Last evaluated: 2018-01-12. Review status: criteria provided, single submitter. Criteria: ICSL Variant Classification Criteria 13 December 2019. Collection method: clinical testing. Allele origin: germline.
Comment: This variant was observed in the ICSL laboratory as part of a predisposition screen in an ostensibly healthy population. It had not been previously curated by ICSL or reported in the Human Gene Mutation Database (HGMD: prior to June 1st, 2018), and was therefore a candidate for classification through an automated scoring system. Utilizing variant allele frequency, disease prevalence and penetrance estimates, and inheritance mode, an automated score was calculated to assess if this variant is too frequent to cause the disease. Based on the score and internal cut-off values, a variant classified as benign is not then subjected to further curation. The score for this variant resulted in a classification of benign for this disease.

Illumina Laboratory Services, Illumina
Classification: Benign for Age related macular degeneration 5. Last evaluated: 2018-01-12. Review status: criteria provided, single submitter. Criteria: ICSL Variant Classification Criteria 13 December 2019. Collection method: clinical testing. Allele origin: germline.
Comment: the same text as in the submission from Illumina Laboratory Services, Illumina above.

Illumina Laboratory Services, Illumina
Classification: Benign for Cerebrooculofacioskeletal syndrome 1. Last evaluated: 2018-01-12. Review status: criteria provided, single submitter. Criteria: ICSL Variant Classification Criteria 13 December 2019. Collection method: clinical testing. Allele origin: germline.
Comment: the same text as in the submission from Illumina Laboratory Services, Illumina above.

Eurofins Ntd Llc (ga)
Classification: Benign. Last evaluated: 2015-01-31. Review status: criteria provided, single submitter. Criteria: EGL Classification Definitions 2015. Collection method: clinical testing. Allele origin: germline. Observed: 1 variant allele, 1 heterozygote.

Breakthrough Genomics
Classification: Benign. Review status: criteria provided, single submitter. Criteria: ACMG Guidelines, 2015. Collection method: not provided. Allele origin: germline. Inheritance: Autosomal recessive inheritance. Affected: yes.

PreventionGenetics, part of Exact Sciences
Classification: Benign. Review status: criteria provided, single submitter. Criteria: ACMG Guidelines, 2015. Collection method: clinical testing. Allele origin: germline.

NM_000124.4(ERCC6):c.3010C>T (p.Leu1004=)

Gene: ERCC6 (ERCC excision repair 6, chromatin remodeling factor; minus strand). Cytogenetic location: 10q11.23.
Variant type: single nucleotide variant.
Coding change: c.3010C>T on transcript NM_000124.4 (MANE Select); coding-DNA position 3010, C replaced by T.
Protein change: p.Leu1004=; no amino-acid change (leucine 1004 retained).
Molecular consequence: synonymous variant.
Genome position (GRCh38, 1-based): chr10:49,471,035, G>A on the plus strand (C>T on the coding strand, the complement: ERCC6 is on the minus strand). VCF-style: chr10-49471035-G-A. GRCh37 (hg19) VCF-style: chr10-50679081-G-A.
Other names: c.3010C>T, p.Leu1004= (NM_001346440.2).
Identifiers: ClinVar variation 194696 (VCV000194696.21), dbSNP rs2274097, ClinGen allele CA201306.
Genomic context (GRCh38, chr10:49,471,035, plus strand): 5'-CTGCAAAAATTGCACTTGTTTCAGTGCTCTGGGATGCATCAGGACTAGTCAGAGTAAATA[G>A]CTCATAGAGATCATTGGATTTGAAAAACCGCCTTTGTTTTGGGTCTTTTAGCACTCTATT-3'
Protein context (NP_000115.1, residues 994-1014): RFFKSNDLYE[Leu1004=]FTLTSPDASQ